The following is an entry in ClinVar:

NM_024577.4(SH3TC2):c.1623G>A (p.Lys541=)

Gene: SH3TC2 (SH3 domain and tetratricopeptide repeats 2; minus strand). Cytogenetic location: 5q32.
Variant type: single nucleotide variant.
Coding change: c.1623G>A on transcript NM_024577.4 (MANE Select); coding-DNA position 1623, G replaced by A.
Protein change: p.Lys541=; no amino-acid change (lysine 541 retained).
Molecular consequence: synonymous variant.
Genome position (GRCh38, 1-based): chr5:149,028,109, C>T on the plus strand (G>A on the coding strand, the complement: SH3TC2 is on the minus strand). VCF-style: chr5-149028109-C-T. GRCh37 (hg19) VCF-style: chr5-148407672-C-T.
Identifiers: ClinVar variation 695254 (VCV000695254.43), dbSNP rs372749343, ClinGen allele CA3499146.

ClinVar aggregate classification (germline): Likely benign. Review status: criteria provided, multiple submitters, no conflicts (2 of 4 stars). 6 submissions from 6 submitters: Likely benign (6). Last evaluated 2025-11-04.

Conditions:
Charcot-Marie-Tooth disease type 4. Also called: Charcot-Marie-Tooth disease, type IV; Charcot-Marie-Tooth, Type 4. Identifiers: Orphanet 64749, MedGen C4082197, MONDO:0018995.
SH3TC2-related disorder. Also called: SH3TC2-related condition; SH3TC2-related disorders. Identifiers: MedGen CN239303.
Charcot-Marie-Tooth disease. Also called: Charcot-Marie-Tooth Neuropathy; Charcot-Marie-Tooth Hereditary Neuropathy. Identifiers: Orphanet 166, MedGen C0007959, MONDO:0015626.

Allele frequency attached by ClinVar (database versions not stated): gnomAD 0.00004 and 0.00009; TOPMed 0.00008; gnomAD exomes 0.00014 and 0.00025; ExAC 0.00026; 1000 Genomes Project 30x 0.00031; 1000 Genomes Project 0.00040.
gnomAD v4.1: 233 of 1,614,138 alleles (0.014%); highest among the groups gnomAD compares: South Asian, 0.14%; 1 homozygote.

Submissions (6):

PreventionGenetics, part of Exact Sciences
Classification: Likely benign for SH3TC2-related condition. Last evaluated: 2025-11-04. Review status: criteria provided, single submitter. Criteria: ACMG Guidelines, 2015. Collection method: clinical testing. Allele origin: germline.
Comment: This variant is classified as likely benign based on ACMG/AMP sequence variant interpretation guidelines (Richards et al. 2015 PMID: 25741868, with internal and published modifications).

Labcorp Genetics (formerly Invitae), Labcorp
Classification: Likely benign for Charcot-Marie-Tooth disease type 4. Last evaluated: 2025-06-29. Review status: criteria provided, single submitter. Criteria: Invitae Variant Classification Sherloc (09022015). Collection method: clinical testing. Allele origin: germline.

Blueprint Genetics
Classification: Likely benign. Last evaluated: 2024-08-04. Review status: criteria provided, single submitter. Criteria: ACMG Guidelines, 2015. Collection method: clinical testing. Allele origin: germline.

CeGaT Center for Human Genetics Tuebingen
Classification: Likely benign. Last evaluated: 2023-11-01. Review status: criteria provided, single submitter. Criteria: CeGaT Center For Human Genetics Tuebingen Variant Classification Criteria Version 2. Collection method: clinical testing. Allele origin: germline. Affected: yes. Observed: 1 variant allele.
Comment: SH3TC2: BP4, BS2

ARUP Laboratories, Molecular Genetics and Genomics, ARUP Laboratories
Classification: Likely benign. Last evaluated: 2021-11-26. Review status: criteria provided, single submitter. Criteria: ARUP Molecular Germline Variant Investigation Process 2021. Collection method: clinical testing. Allele origin: germline.

Molecular Genetics Laboratory, London Health Sciences Centre
Classification: Likely benign for Charcot-Marie-Tooth disease. Review status: criteria provided, single submitter. Criteria: ACMG Guidelines, 2015. Collection method: clinical testing. Allele origin: germline. Affected: yes.